The following is an entry in ClinVar:

ClinVar aggregate classification (germline): Uncertain significance (1 of 4 stars; one submission).

Conditions:
Tuberous sclerosis 1 (TSC1). Identifiers: Orphanet 805, MedGen C1854465, MONDO:0008612, OMIM 191100.

Submission:

Labcorp Genetics (formerly Invitae), Labcorp
Classification: Uncertain significance for Tuberous sclerosis 1. Last evaluated: 2024-01-09. Review status: criteria provided, single submitter. Criteria: Invitae Variant Classification Sherloc (09022015). Collection method: clinical testing. Allele origin: germline.
Comment: This sequence change affects codon 93 of the TSC1 mRNA. It is a 'silent' change, meaning that it does not change the encoded amino acid sequence of the TSC1 protein. This variant is not present in population databases (gnomAD no frequency). This variant has not been reported in the literature in individuals affected with TSC1-related conditions. Studies have shown that this variant is associated with inconclusive levels of altered splicing (Invitae). In summary, the available evidence is currently insufficient to determine the role of this variant in disease. Therefore, it has been classified as a Variant of Uncertain Significance.

NM_000368.5(TSC1):c.279G>A (p.Leu93=)

Gene: TSC1 (TSC complex subunit 1; minus strand). Cytogenetic location: 9q34.13.
Variant type: single nucleotide variant.
Coding change: c.279G>A on transcript NM_000368.5 (MANE Select); coding-DNA position 279, G replaced by A.
Protein change: p.Leu93=; no amino-acid change (leucine 93 retained).
Molecular consequence: synonymous variant. On other transcripts: 5 prime UTR variant (18), non-coding transcript variant (5), intron variant (5).
Genome position (GRCh38, 1-based): chr9:132,925,671, C>T on the plus strand (G>A on the coding strand, the complement: TSC1 is on the minus strand). VCF-style: chr9-132925671-C-T. GRCh37 (hg19) VCF-style: chr9-135801058-C-T.
Other names: c.279G>A, p.Leu93= (NM_001162426.2, NM_001406592.1, NM_001406593.1 and 16 more transcripts); c.-85G>A (NM_001362177.2, NM_001406617.1, NM_001406618.1 and 5 more transcripts); c.-177G>A (NM_001406614.1, NM_001406616.1, NM_001406624.1); c.-210G>A (NM_001406615.1, NM_001406623.1); c.-599G>A (NM_001406626.1, NM_001406627.1, NM_001406628.1); c.-741G>A (NM_001406629.1); c.-815G>A (NM_001406630.1); c.210+1530G>A (NM_001406613.1, NM_001406612.1, NM_001406610.1 and 2 more transcripts).
Identifiers: ClinVar variation 2741473 (VCV002741473.3), dbSNP rs2132234613, ClinGen allele CA467594191.